The following is an entry in ClinVar:

ClinVar aggregate classification (germline): Uncertain significance (1 of 4 stars; one submission).

Conditions:
Multiple acyl-CoA dehydrogenase deficiency (MADD). Also called: Glutaric acidemia type II; GA 2; Glutaric Acidemia type 2; Glutaric aciduria, type 2; ETHYLMALONIC-ADIPICACIDURIA; GA II. Identifiers: Orphanet 26791, MedGen C0268596, MONDO:0009282, OMIM 231680.

Submission:

Labcorp Genetics (formerly Invitae), Labcorp
Classification: Uncertain significance for Multiple acyl-CoA dehydrogenase deficiency. Last evaluated: 2022-02-04. Review status: criteria provided, single submitter. Criteria: Invitae Variant Classification Sherloc (09022015). Collection method: clinical testing. Allele origin: germline.
Comment: This variant has not been reported in the literature in individuals affected with ETFA-related conditions. In summary, the available evidence is currently insufficient to determine the role of this variant in disease. Therefore, it has been classified as a Variant of Uncertain Significance. Algorithms developed to predict the effect of missense changes on protein structure and function (SIFT, PolyPhen-2, Align-GVGD) all suggest that this variant is likely to be disruptive. This variant is not present in population databases (gnomAD no frequency). This sequence change replaces leucine, which is neutral and non-polar, with proline, which is neutral and non-polar, at codon 154 of the ETFA protein (p.Leu154Pro).

NM_000126.4(ETFA):c.461T>C (p.Leu154Pro)

Gene: ETFA (electron transfer flavoprotein subunit alpha; minus strand). Cytogenetic location: 15q24.2.
Variant type: single nucleotide variant.
Coding change: c.461T>C on transcript NM_000126.4 (MANE Select); coding-DNA position 461, T replaced by C.
Protein change: p.Leu154Pro; replaces leucine 154 with proline.
Molecular consequence: missense variant.
Genome position (GRCh38, 1-based): chr15:76,286,472, A>G on the plus strand (T>C on the coding strand, the complement: ETFA is on the minus strand). VCF-style: chr15-76286472-A-G. GRCh37 (hg19) VCF-style: chr15-76578813-A-G.
Other names: c.314T>C, p.Leu105Pro (NM_001127716.2); short protein forms L105P, L154P.
Identifiers: ClinVar variation 1381780 (VCV001381780.6), dbSNP rs1286837897, ClinGen allele CA393513893.
Genomic context (GRCh38, chr15:76,286,472, plus strand): 5'-TCAAAGGATGTTCCACGGACAGAAAACACTTTCACTTTCTCATCACACTTCACTGTACAT[A>G]GAGCATTTCCTGAAACATACAATCTATTTCTTAAAAGCAACAGCAAAAGGCAACAAAACT-3'
Protein context (NP_000117.1, residues 144-164): FVRTIYAGNA[Leu154Pro]CTVKCDEKVK